The following is an entry in ClinVar:

ClinVar aggregate classification (germline): Uncertain significance (1 of 4 stars; one submission).

gnomAD v4.1: 38 of 1,611,560 alleles (0.0024%); highest among the groups gnomAD compares: Non-Finnish European, 0.0031%; no homozygotes.

Submission:

Labcorp Genetics (formerly Invitae), Labcorp
Classification: Uncertain significance. Last evaluated: 2024-05-01. Review status: criteria provided, single submitter. Criteria: Invitae Variant Classification Sherloc (09022015). Collection method: clinical testing. Allele origin: germline.
Comment: This sequence change replaces glutamic acid, which is acidic and polar, with lysine, which is basic and polar, at codon 348 of the OAS1 protein (p.Glu348Lys). This variant is present in population databases (rs374812528, gnomAD 0.0009%). This variant has not been reported in the literature in individuals affected with OAS1-related conditions. Algorithms developed to predict the effect of missense changes on protein structure and function output the following: SIFT: "Not Available"; PolyPhen-2: "Benign"; Align-GVGD: "Not Available". The lysine amino acid residue is found in multiple mammalian species, which suggests that this missense change does not adversely affect protein function. In summary, the available evidence is currently insufficient to determine the role of this variant in disease. Therefore, it has been classified as a Variant of Uncertain Significance.

NM_016816.4(OAS1):c.1042G>A (p.Glu348Lys)

Gene: OAS1 (2'-5'-oligoadenylate synthetase 1; plus strand). Cytogenetic location: 12q24.13.
Variant type: single nucleotide variant.
Coding change: c.1042G>A on transcript NM_016816.4 (MANE Select); coding-DNA position 1042, G replaced by A.
Protein change: p.Glu348Lys; replaces glutamic acid 348 with lysine.
Molecular consequence: missense variant. On other transcripts: 3 prime UTR variant (5), non-coding transcript variant (7), intron variant (5).
Genome position (GRCh38, 1-based): chr12:112,919,392, G>A. VCF-style: chr12-112919392-G-A. GRCh37 (hg19) VCF-style: chr12-113357197-G-A.
Other names: c.1018G>A, p.Glu340Lys (NM_001406021.1); c.*679G>A (NM_001406022.1, NM_001406023.1, NM_001406029.1); c.*1635G>A (NM_001406024.1, NM_001406030.1); c.568G>A, p.Glu190Lys (NM_001406027.1); c.1038+1692G>A (NM_001320151.2); c.1014+1692G>A (NM_001406025.1); c.1039-95G>A (NM_001032409.3); c.1015-95G>A (NM_001406020.1); and 1 more; short protein forms E340K, E348K, E190K.
Identifiers: ClinVar variation 3672137 (VCV003672137.2).
Genomic context (GRCh38, chr12:112,919,392, plus strand): 5'-AATCCAGCTGCAATGCAGGAAGACTCCCTGATGTGATCATGTGTCTCACCCTTTCAGGCT[G>A]AAAGCAACAGTGCAGACGATGAGACCGACGATCCCAGGAGGTATCAGAAATATGGTTACA-3'
Protein context (NP_058132.2, residues 338-358): SPVSSWILLA[Glu348Lys]SNSADDETDD